The following is an entry in ClinVar:

ClinVar aggregate classification (germline): Conflicting classifications of pathogenicity. Review status: criteria provided, conflicting classifications (1 of 4 stars). 2 submissions from 2 submitters: Uncertain significance (1); Likely benign (1). Last evaluated 2023-11-24.

Conditions:
Hereditary cancer-predisposing syndrome. Also called: Neoplastic Syndromes, Hereditary; Tumor predisposition; Hereditary Cancer Syndrome; Hereditary neoplastic syndrome. Identifiers: Orphanet 140162, MedGen C0027672, MeSH D009386, MONDO:0015356.
Ataxia-telangiectasia syndrome (AT). Also called: LOUIS-BAR SYNDROME; Cerebello-oculocutaneous telangiectasia; Immunodeficiency with ataxia telangiectasia; Ataxia-telangiectasia, complementation group D; AT, COMPLEMENTATION GROUP C; ATAXIA-TELANGIECTASIA, COMPLEMENTATION GROUP A. Identifiers: Orphanet 100, MedGen C0004135, MONDO:0008840, OMIM 208900.

Allele frequency attached by ClinVar (database versions not stated): gnomAD exomes below 0.00001.
gnomAD v4.1: 2 of 1,613,486 alleles (0.00012%); highest among the groups gnomAD compares: Non-Finnish European, 0.00017%; no homozygotes.

Submissions (2):

Labcorp Genetics (formerly Invitae), Labcorp
Classification: Likely benign for Ataxia-telangiectasia syndrome. Last evaluated: 2023-11-24. Review status: criteria provided, single submitter. Criteria: Invitae Variant Classification Sherloc (09022015). Collection method: clinical testing. Allele origin: germline.

Ambry Genetics
Classification: Uncertain significance for Hereditary cancer-predisposing syndrome. Last evaluated: 2022-05-17. Review status: criteria provided, single submitter. Criteria: Ambry Variant Classification Scheme 2023. Collection method: clinical testing. Allele origin: germline.
Comment: The c.4110-5G>C intronic variant results from a G to C substitution 5 nucleotides upstream from coding exon 27 in the ATM gene. This nucleotide position is poorly conserved in available vertebrate species. In silico splice site analysis predicts that this alteration will not have any significant effect on splicing. Since supporting evidence is limited at this time, the clinical significance of this alteration remains unclear.

NM_000051.4(ATM):c.4110-5G>C

Gene: ATM (ATM serine/threonine kinase; plus strand). Cytogenetic location: 11q22.3.
Variant type: single nucleotide variant.
Coding change: c.4110-5G>C on transcript NM_000051.4 (MANE Select); 5 bases into the intron before coding-DNA position 4110, G replaced by C.
Molecular consequence: intron variant.
Genome position (GRCh38, 1-based): chr11:108,288,972, G>C. VCF-style: chr11-108288972-G-C. GRCh37 (hg19) VCF-style: chr11-108159699-G-C.
Other names: c.4110-5G>C (NM_001351834.2).
Identifiers: ClinVar variation 1737922 (VCV001737922.5), dbSNP rs1366528638, ClinGen allele CA601720189.